The following is an entry in ClinVar:

NM_006662.3(SRCAP):c.8164C>T (p.Arg2722Cys)

Gene: SRCAP (Snf2 related CREBBP activator protein; plus strand). Cytogenetic location: 16p11.2.
Variant type: single nucleotide variant.
Coding change: c.8164C>T on transcript NM_006662.3 (MANE Select); coding-DNA position 8164, C replaced by T.
Protein change: p.Arg2722Cys; replaces arginine 2722 with cysteine.
Molecular consequence: missense variant.
Genome position (GRCh38, 1-based): chr16:30,738,204, C>T. VCF-style: chr16-30738204-C-T. GRCh37 (hg19) VCF-style: chr16-30749525-C-T.
Other names: short protein forms R2722C.
Identifiers: ClinVar variation 4689107 (VCV004689107.1).

ClinVar aggregate classification (germline): Uncertain significance (1 of 4 stars; one submission).

gnomAD v4.1: 9 of 1,614,066 alleles (0.00056%); highest among the groups gnomAD compares: Admixed American, 0.005%; no homozygotes.

Submission:

Women's Health and Genetics/Laboratory Corporation of America, LabCorp
Classification: Uncertain significance. Last evaluated: 2026-01-22. Review status: criteria provided, single submitter. Criteria: LabCorp Variant Classification Summary - May 2015. Collection method: clinical testing. Allele origin: germline.
Comment: Variant summary: SRCAP c.8164C>T (p.Arg2722Cys) results in a non-conservative amino acid change in the encoded protein sequence. Algorithms developed to predict the effect of missense changes on protein structure and function all suggest that this variant is likely to be disruptive. The variant allele was found at a frequency of 8e-06 in 251286 control chromosomes. The available data on variant occurrences in the general population are insufficient to allow any conclusion about variant significance. To our knowledge, no occurrence of c.8164C>T in individuals affected with SRCAP-related conditions and no experimental evidence demonstrating its impact on protein function have been reported. No submitters have cited clinical-significance assessments for this variant to ClinVar. Based on the evidence outlined above, the variant was classified as uncertain significance.